The following is an entry in ClinVar:

NM_000138.5(FBN1):c.6534T>A (p.Asn2178Lys)

Gene: FBN1 (fibrillin 1; minus strand). Cytogenetic location: 15q21.1.
Variant type: single nucleotide variant.
Coding change: c.6534T>A on transcript NM_000138.5 (MANE Select); coding-DNA position 6534, T replaced by A.
Protein change: p.Asn2178Lys; replaces asparagine 2178 with lysine.
Molecular consequence: missense variant.
Genome position (GRCh38, 1-based): chr15:48,434,676, A>T on the plus strand (T>A on the coding strand, the complement: FBN1 is on the minus strand). VCF-style: chr15-48434676-A-T. GRCh37 (hg19) VCF-style: chr15-48726873-A-T.
Other names: short protein forms N2178K.
Identifiers: ClinVar variation 519782 (VCV000519782.29), dbSNP rs770257902, ClinGen allele CA056972.

ClinVar aggregate classification (germline): Uncertain significance. Review status: criteria provided, multiple submitters, no conflicts (2 of 4 stars). 8 submissions from 8 submitters: Uncertain significance (8). Last evaluated 2025-11-01.

Conditions:
MASS syndrome (OCTD). Also called: OVERLAP CONNECTIVE TISSUE DISEASE; MASS PHENOTYPE. Identifiers: MedGen C1858556, MONDO:0011431, OMIM 604308.
Progeroid and marfanoid aspect-lipodystrophy syndrome. Also called: MARFANOID-PROGEROID SYNDROME; MARFAN-PROGEROID-LIPODYSTROPHY SYNDROME; Marfan lipodystrophy syndrome; MARFANOID-PROGEROID-LIPODYSTROPHY SYNDROME. Identifiers: Orphanet 300382, MedGen C4310796, MONDO:0014831, OMIM 616914.
Ectopia lentis 1, isolated, autosomal dominant (ECTOL1). Identifiers: Orphanet 1885, MedGen C3541518, MONDO:0007514, OMIM 129600.
Weill-Marchesani syndrome 2, dominant. Also called: Weill-Marchesani Syndrome, Autosomal Dominant; FBN1-Related Weill-Marchesani Syndrome. Identifiers: Orphanet 2084, MedGen C1869115, MONDO:0012013, OMIM 608328.
Acromicric dysplasia (ACMICD). Also called: Acromicric skeletal dysplasia. Identifiers: Orphanet 969, MedGen C0265287, MONDO:0007055, OMIM 102370.
Geleophysic dysplasia 2 (GPHYSD2). Identifiers: Orphanet 2623, MedGen C3280054, MONDO:0013612, OMIM 614185.
Stiff skin syndrome (SSKS). Identifiers: Orphanet 2833, MedGen C1861456, MONDO:0008492, OMIM 184900.
Marfan syndrome (MFS). Also called: Marfan syndrome type 1; Marfan syndrome, classic; Marfan's syndrome; FBN1-Related Marfan Syndrome; MARFAN SYNDROME, TYPE I. Identifiers: Orphanet 284963, Orphanet 558, MedGen C0024796, MONDO:0007947, OMIM 154700.
Familial thoracic aortic aneurysm and aortic dissection (TAAD). Also called: Thoracic aortic aneurysms and dissections. Identifiers: Orphanet 91387, MedGen C4707243, MONDO:0019625.

Allele frequency attached by ClinVar (database versions not stated): TOPMed 0.00001; gnomAD 0.00002; gnomAD exomes 0.00004 and below 0.00001; ExAC 0.00001.
gnomAD v4.1: 63 of 1,613,646 alleles (0.0039%); highest among the groups gnomAD compares: Non-Finnish European, 0.0053%; no homozygotes.

Submissions (8):

Labcorp Genetics (formerly Invitae), Labcorp
Classification: Uncertain significance for Marfan syndrome; Familial thoracic aortic aneurysm and aortic dissection. Last evaluated: 2025-11-01. Review status: criteria provided, single submitter. Criteria: Invitae Variant Classification Sherloc (09022015). Collection method: clinical testing. Allele origin: germline.
Comment: This sequence change replaces asparagine, which is neutral and polar, with lysine, which is basic and polar, at codon 2178 of the FBN1 protein (p.Asn2178Lys). This variant is present in population databases (rs770257902, gnomAD 0.002%). This missense change has been observed in individual(s) with adolescent idiopathic scoliosis (PMID: 24833718). ClinVar contains an entry for this variant (Variation ID: 519782). Invitae Evidence Modeling of protein sequence and biophysical properties (such as structural, functional, and spatial information, amino acid conservation, physicochemical variation, residue mobility, and thermodynamic stability) indicates that this missense variant is expected to disrupt FBN1 protein function with a positive predictive value of 95%. In summary, the available evidence is currently insufficient to determine the role of this variant in disease. Therefore, it has been classified as a Variant of Uncertain Significance.

GeneDx
Classification: Uncertain significance. Last evaluated: 2025-10-09. Review status: criteria provided, single submitter. Criteria: GeneDx Variant Classification Process June 2021. Collection method: clinical testing. Allele origin: germline. Affected: yes.
Comment: Identified in an individual with adolescent idiopathic scoliosis in published literature who did not meet criteria for Marfan syndrome (PMID: 24833718); Not observed at significant frequency in large population cohorts (gnomAD); In silico analysis supports that this missense variant has a deleterious effect on protein structure/function; Does not affect a cysteine or calcium-binding residue within an EGF-like domain or a TGF-binding protein domain of the FBN1 gene; cysteine substitutions in the EGF-like domains represent the majority of pathogenic missense changes associated with FBN1-related disorders (PMID: 12938084); This variant is associated with the following publications: (PMID: 12938084, 24833718)

Color Diagnostics, LLC DBA Color Health
Classification: Uncertain significance for Familial thoracic aortic aneurysm and aortic dissection. Last evaluated: 2025-10-07. Review status: criteria provided, single submitter. Criteria: ACMG Guidelines, 2015. Collection method: clinical testing. Allele origin: germline.
Comment: This missense variant replaces asparagine with lysine at codon 2178 of the FBN1 protein. Computational prediction is inconclusive regarding the impact of this variant on protein structure and function. To our knowledge, functional studies have not been reported for this variant. This variant has been reported in an individual with idiopathic scoliosis who did not meet criteria for Marfan syndrome diagnosis (PMID: 24833718). This variant has been identified in 63/1613646 chromosomes in the general population by the Genome Aggregation Database (gnomAD). The available evidence is insufficient to determine the role of this variant in disease conclusively. Therefore, this variant is classified as a Variant of Uncertain Significance.

All of Us Research Program, National Institutes of Health
Classification: Uncertain significance for Marfan syndrome. Last evaluated: 2024-09-23. Review status: criteria provided, single submitter. Criteria: ACMG Guidelines, 2015. Collection method: clinical testing. Allele origin: germline. Inheritance: Autosomal dominant inheritance. Observed: 5 variant alleles, 5 heterozygotes.
Comment: This missense variant replaces asparagine with lysine at codon 2178 of the FBN1 protein. Computational prediction is inconclusive regarding the impact of this variant on protein structure and function (internally defined REVEL score threshold 0.5 < inconclusive < 0.7, PMID: 27666373). To our knowledge, functional studies have not been reported for this variant. This variant has been reported in one individual who was affected with adolescent idiopathic scoliosis but did not meet criteria for Marfan syndrome diagnosis (PMID: 24833718). This variant has been identified in 3/282550 chromosomes in the general population by the Genome Aggregation Database (gnomAD). The available evidence is insufficient to determine the role of this variant in disease conclusively. Therefore, this variant is classified as a Variant of Uncertain Significance.

This study involves interpretation of variants in research participants for the purpose of population health screening. Participant phenotype was not available at the time of variant classification. Additional details can be found in publication PMID: 35346344, PMCID: PMC8962531

CHEO Genetics Diagnostic Laboratory, Children's Hospital of Eastern Ontario
Classification: Uncertain significance for Familial thoracic aortic aneurysm and aortic dissection. Last evaluated: 2022-08-16. Review status: criteria provided, single submitter. Criteria: ACMG Guidelines, 2015. Collection method: clinical testing. Allele origin: germline.

Fulgent Genetics
Classification: Uncertain significance for Acromicric dysplasia; Ectopia lentis 1, isolated, autosomal dominant; Marfan syndrome; Stiff skin syndrome; MASS syndrome; Weill-Marchesani syndrome 2, dominant; Geleophysic dysplasia 2; Progeroid and marfanoid aspect-lipodystrophy syndrome. Last evaluated: 2021-09-28. Review status: criteria provided, single submitter. Criteria: ACMG Guidelines, 2015. Collection method: clinical testing. Allele origin: unknown.

Ambry Genetics
Classification: Uncertain significance for Familial thoracic aortic aneurysm and aortic dissection. Last evaluated: 2017-07-11. Review status: criteria provided, single submitter. Criteria: Ambry Variant Classification Scheme 2023. Collection method: clinical testing. Allele origin: germline.
Comment: The p.N2178K variant (also known as c.6534T>A), located in coding exon 53 of the FBN1 gene, results from a T to A substitution at nucleotide position 6534. The asparagine at codon 2178 is replaced by lysine, an amino acid with similar properties. This alteration was reported in an individual with adolescent idiopathic scoliosis (Buchan JG et al. Hum. Mol. Genet., 2014 Oct;23:5271-82). This amino acid position is highly conserved in available vertebrate species. In addition, the in silico prediction for this alteration is inconclusive. Since supporting evidence is limited at this time, the clinical significance of this alteration remains unclear.

Blueprint Genetics
Classification: Uncertain significance. Last evaluated: 2017-06-16. Review status: criteria provided, single submitter. Criteria: ACMG Guidelines, 2015. Collection method: clinical testing. Allele origin: germline.

Literature cited by the submitters: PubMed 24833718 (cited by 4 submitters).